The following is an entry in ClinVar:

ClinVar aggregate classification (germline): Uncertain significance. Review status: criteria provided, multiple submitters, no conflicts (2 of 4 stars). 2 submissions from 2 submitters: Uncertain significance (2). Last evaluated 2025-11-10.

Conditions:
Atrial fibrillation, familial, 11 (ATFB11). Identifiers: MedGen C3279693, MONDO:0013544, OMIM 614049.
Atrial standstill 1 (ATRST1). Also called: ATRIAL CARDIOMYOPATHY WITH HEART BLOCK; CARDIOMYOPATHY, FAMILIAL, WITH CONDUCTION DISTURBANCE; Atrial standstill, digenic (GJA5/SCN5A). Identifiers: Orphanet 1344, MedGen C4551959, MONDO:0007171, OMIM 108770.
Inborn genetic diseases. Identifiers: MedGen C0950123, MeSH D030342.

Allele frequency attached by ClinVar (database versions not stated): ExAC 0.00001; gnomAD 0.00007; ESP Exome Variant Server 0.00008; TOPMed 0.00011.
gnomAD v4.1: 28 of 1,614,126 alleles (0.0017%); highest among the groups gnomAD compares: African/African-American, 0.025%; no homozygotes.

Submissions (2):

Labcorp Genetics (formerly Invitae), Labcorp
Classification: Uncertain significance for Atrial fibrillation, familial, 11; Atrial standstill 1. Last evaluated: 2025-11-10. Review status: criteria provided, single submitter. Criteria: Invitae Variant Classification Sherloc (09022015). Collection method: clinical testing. Allele origin: germline.
Comment: This sequence change replaces valine, which is neutral and non-polar, with glycine, which is neutral and non-polar, at codon 100 of the GJA5 protein (p.Val100Gly). This variant is present in population databases (rs138375318, gnomAD 0.03%). This variant has not been reported in the literature in individuals affected with GJA5-related conditions. ClinVar contains an entry for this variant (Variation ID: 2154892). Invitae Evidence Modeling of protein sequence and biophysical properties (such as structural, functional, and spatial information, amino acid conservation, physicochemical variation, residue mobility, and thermodynamic stability) indicates that this missense variant is not expected to disrupt GJA5 protein function with a negative predictive value of 80%. In summary, the available evidence is currently insufficient to determine the role of this variant in disease. Therefore, it has been classified as a Variant of Uncertain Significance.

Ambry Genetics
Classification: Uncertain significance for Inborn genetic diseases. Last evaluated: 2023-05-17. Review status: criteria provided, single submitter. Criteria: Ambry Variant Classification Scheme 2023. Collection method: clinical testing. Allele origin: germline.

NM_181703.4(GJA5):c.299T>G (p.Val100Gly)

Gene: GJA5 (gap junction protein alpha 5; minus strand). Cytogenetic location: 1q21.2.
Variant type: single nucleotide variant.
Coding change: c.299T>G on transcript NM_181703.4 (MANE Select); coding-DNA position 299, T replaced by G.
Protein change: p.Val100Gly; replaces valine 100 with glycine.
Molecular consequence: missense variant.
Genome position (GRCh38, 1-based): chr1:147,758,940, A>C on the plus strand (T>G on the coding strand, the complement: GJA5 is on the minus strand). VCF-style: chr1-147758940-A-C. GRCh37 (hg19) VCF-style: chr1-147231048-A-C.
Other names: c.299T>G, p.Val100Gly (NM_005266.7); c.299T>G (NM_005266.5); short protein forms V100G.
Identifiers: ClinVar variation 2154892 (VCV002154892.6), dbSNP rs138375318, ClinGen allele CA1065792.